The following is an entry in ClinVar:

NM_177924.5(ASAH1):c.665C>T (p.Thr222Ile)

Gene: ASAH1 (N-acylsphingosine amidohydrolase 1; minus strand). Cytogenetic location: 8p22.
Variant type: single nucleotide variant.
Coding change: c.665C>T on transcript NM_177924.5 (MANE Select); coding-DNA position 665, C replaced by T.
Protein change: p.Thr222Ile; replaces threonine 222 with isoleucine.
Molecular consequence: missense variant.
Genome position (GRCh38, 1-based): chr8:18,061,724, G>A on the plus strand (C>T on the coding strand, the complement: ASAH1 is on the minus strand). VCF-style: chr8-18061724-G-A. GRCh37 (hg19) VCF-style: chr8-17919233-G-A.
Other names: c.647C>T, p.Thr216Ile (NM_001127505.3); c.470C>T, p.Thr157Ile (NM_001363743.2); c.713C>T, p.Thr238Ile (NM_004315.6); short protein forms T222I, T157I, T216I, T238I.
Identifiers: ClinVar variation 2055731 (VCV002055731.2), dbSNP rs137853593, ClinGen allele CA370429685.

ClinVar aggregate classification (germline): Uncertain significance (1 of 4 stars; one submission).

Allele frequency attached by ClinVar (database versions not stated): gnomAD exomes below 0.00001; gnomAD 0.00001; TOPMed 0.00003.
gnomAD v4.1: 2 of 1,579,358 alleles (0.00013%); highest among the groups gnomAD compares: Admixed American, 0.0018%; no homozygotes.

Submission:

Labcorp Genetics (formerly Invitae), Labcorp
Classification: Uncertain significance. Last evaluated: 2023-11-21. Review status: criteria provided, single submitter. Criteria: Invitae Variant Classification Sherloc (09022015). Collection method: clinical testing. Allele origin: germline.
Comment: This sequence change replaces threonine, which is neutral and polar, with isoleucine, which is neutral and non-polar, at codon 222 of the ASAH1 protein (p.Thr222Ile). This variant is not present in population databases (gnomAD no frequency). This variant has not been reported in the literature in individuals affected with ASAH1-related conditions. ClinVar contains an entry for this variant (Variation ID: 2055731). Advanced modeling of protein sequence and biophysical properties (such as structural, functional, and spatial information, amino acid conservation, physicochemical variation, residue mobility, and thermodynamic stability) performed at Invitae indicates that this missense variant is expected to disrupt ASAH1 protein function with a positive predictive value of 80%. In summary, the available evidence is currently insufficient to determine the role of this variant in disease. Therefore, it has been classified as a Variant of Uncertain Significance.